The following is an entry in ClinVar:

ClinVar aggregate classification (germline): Uncertain significance. Review status: criteria provided, multiple submitters, no conflicts (2 of 4 stars). 2 submissions from 2 submitters: Uncertain significance (2). Last evaluated 2023-05-24.

Conditions:
Inborn genetic diseases. Identifiers: MedGen C0950123, MeSH D030342.
Granulomatous disease, chronic, autosomal recessive, cytochrome b-negative. Also called: CGD DUE TO DEFICIENCY OF THE ALPHA SUBUNIT OF CYTOCHROME b; CGD, AUTOSOMAL RECESSIVE CYTOCHROME b-NEGATIVE; CYBA DEFICIENCY; Chronic granulomatous disease, autosomal, due to deficiency of CYBA; GRANULOMATOUS DISEASE, CHRONIC, AUTOSOMAL RECESSIVE, 4. Identifiers: Orphanet 379, MedGen C1856255, MONDO:0009308, OMIM 233690.

gnomAD v4.1: 1 of 1,533,658 alleles (0.000065%); highest among the groups gnomAD compares: East Asian, 0.0025%; no homozygotes.

Submissions (2):

Ambry Genetics
Classification: Uncertain significance for Inborn genetic diseases. Last evaluated: 2023-05-24. Review status: criteria provided, single submitter. Criteria: Ambry Variant Classification Scheme 2023. Collection method: clinical testing. Allele origin: germline.

Labcorp Genetics (formerly Invitae), Labcorp
Classification: Uncertain significance for Granulomatous disease, chronic, autosomal recessive, cytochrome b-negative. Last evaluated: 2021-08-30. Review status: criteria provided, single submitter. Criteria: Invitae Variant Classification Sherloc (09022015). Collection method: clinical testing. Allele origin: germline.
Comment: This sequence change replaces glycine with arginine at codon 181 of the CYBA protein (p.Gly181Arg). The glycine residue is highly conserved and there is a moderate physicochemical difference between glycine and arginine. The frequency data for this variant in the population databases is considered unreliable, as metrics indicate insufficient coverage at this position in the ExAC database. This variant has not been reported in the literature in individuals affected with CYBA-related conditions. Algorithms developed to predict the effect of missense changes on protein structure and function are either unavailable or do not agree on the potential impact of this missense change (SIFT: "Deleterious"; PolyPhen-2: "Probably Damaging"; Align-GVGD: "Class C0"). In summary, the available evidence is currently insufficient to determine the role of this variant in disease. Therefore, it has been classified as a Variant of Uncertain Significance.

NM_000101.4(CYBA):c.541G>C (p.Gly181Arg)

Gene: CYBA (cytochrome b-245 alpha chain; minus strand). Cytogenetic location: 16q24.2.
Variant type: single nucleotide variant.
Coding change: c.541G>C on transcript NM_000101.4 (MANE Select); coding-DNA position 541, G replaced by C.
Protein change: p.Gly181Arg; replaces glycine 181 with arginine.
Molecular consequence: missense variant.
Genome position (GRCh38, 1-based): chr16:88,643,400, C>G on the plus strand (G>C on the coding strand, the complement: CYBA is on the minus strand). VCF-style: chr16-88643400-C-G. GRCh37 (hg19) VCF-style: chr16-88709808-C-G.
Other names: short protein forms G181R.
Identifiers: ClinVar variation 2419751 (VCV002419751.4), dbSNP rs1413781990, ClinGen allele CA397056448.